The following is an entry in ClinVar:

ClinVar aggregate classification (germline): Uncertain significance. Review status: criteria provided, multiple submitters, no conflicts (2 of 4 stars). 2 submissions from 2 submitters: Uncertain significance (2). Last evaluated 2023-06-24.

Conditions:
Hereditary cancer-predisposing syndrome. Also called: Neoplastic Syndromes, Hereditary; Tumor predisposition; Hereditary Cancer Syndrome; Hereditary neoplastic syndrome. Identifiers: Orphanet 140162, MedGen C0027672, MeSH D009386, MONDO:0015356.

Submissions (2):

Labcorp Genetics (formerly Invitae), Labcorp
Classification: Uncertain significance. Last evaluated: 2023-06-24. Review status: criteria provided, single submitter. Criteria: Invitae Variant Classification Sherloc (09022015). Collection method: clinical testing. Allele origin: germline.
Comment: In summary, the available evidence is currently insufficient to determine the role of this variant in disease. Therefore, it has been classified as a Variant of Uncertain Significance. Experimental studies and prediction algorithms are not available or were not evaluated, and the functional significance of this variant is currently unknown. ClinVar contains an entry for this variant (Variation ID: 650949). This variant has not been reported in the literature in individuals affected with POLE-related conditions. This variant is not present in population databases (gnomAD no frequency). This sequence change replaces alanine, which is neutral and non-polar, with threonine, which is neutral and polar, at codon 11 of the POLE protein (p.Ala11Thr).

Ambry Genetics
Classification: Uncertain significance for Hereditary cancer-predisposing syndrome. Last evaluated: 2022-08-06. Review status: criteria provided, single submitter. Criteria: Ambry Variant Classification Scheme 2023. Collection method: clinical testing. Allele origin: germline.
Comment: The p.A11T variant (also known as c.31G>A), located in coding exon 1 of the POLE gene, results from a G to A substitution at nucleotide position 31. The alanine at codon 11 is replaced by threonine, an amino acid with similar properties. This amino acid position is conserved. In addition, this alteration is predicted to be tolerated by in silico analysis. Since supporting evidence is limited at this time, the clinical significance of this alteration remains unclear.

NM_006231.4(POLE):c.31G>A (p.Ala11Thr)

Genes: POLE (DNA polymerase epsilon, catalytic subunit; minus strand), LOC130009266 (ATAC-STARR-seq lymphoblastoid silent region 5123; plus strand). Cytogenetic location: 12q24.33.
Variant type: single nucleotide variant.
Coding change: c.31G>A on transcript NM_006231.4 (MANE Select); coding-DNA position 31, G replaced by A.
Protein change: p.Ala11Thr; replaces alanine 11 with threonine.
Molecular consequence: missense variant.
Genome position (GRCh38, 1-based): chr12:132,687,285, C>T on the plus strand (G>A on the coding strand, the complement: POLE is on the minus strand). VCF-style: chr12-132687285-C-T. GRCh37 (hg19) VCF-style: chr12-133263871-C-T.
Other names: short protein forms A11T.
Identifiers: ClinVar variation 650949 (VCV000650949.13), dbSNP rs1593099072, ClinGen allele CA387373439.
Genomic context (GRCh38, chr12:132,687,285, plus strand): 5'-CCCGAGAGCCTCAGGAGGGCGCCCCTCACCTGCTGGCCTCGCCATCCGCGCCTGGGTCCG[C>T]GCGCCGCCGCCCGCCGCTCCTCAGAGACATGGAGCCGTTGGCTACCACCTCTGCTTCAGG-3'
Protein context (NP_006222.2, residues 1-21): MSLRSGGRRR[Ala11Thr]DPGADGEASR